The following is an entry in ClinVar:

NM_000093.5(COL5A1):c.3037G>A (p.Glu1013Lys)

Gene: COL5A1 (collagen type V alpha 1 chain; plus strand). Cytogenetic location: 9q34.3.
Variant type: single nucleotide variant.
Coding change: c.3037G>A on transcript NM_000093.5 (MANE Select); coding-DNA position 3037, G replaced by A.
Protein change: p.Glu1013Lys; replaces glutamic acid 1013 with lysine.
Molecular consequence: missense variant.
Genome position (GRCh38, 1-based): chr9:134,802,918, G>A. VCF-style: chr9-134802918-G-A. GRCh37 (hg19) VCF-style: chr9-137694764-G-A.
Other names: c.3037G>A (NM_000093.3); c.3037G>A, p.Glu1013Lys (NM_001278074.1); short protein forms E1013K.
Identifiers: ClinVar variation 409097 (VCV000409097.13), dbSNP rs1060502249, ClinGen allele CA16612671.

ClinVar aggregate classification (germline): Conflicting classifications of pathogenicity. Review status: criteria provided, conflicting classifications (1 of 4 stars). 3 submissions from 3 submitters: Uncertain significance (2); Likely benign (1). Last evaluated 2025-01-17.

Conditions:
Ehlers-Danlos syndrome, classic type, 1 (EDSCL1). Also called: EHLERS-DANLOS SYNDROME, GRAVIS TYPE; EHLERS-DANLOS SYNDROME, SEVERE CLASSIC TYPE; Ehlers-Danlos Syndrome, Classic Type, COL5A1-Related; EDS I; Ehlers-Danlos syndrome, type 1. Identifiers: MedGen C0268335, MONDO:0019567, OMIM 130000.
COL5A1-related disorder. Also called: COL5A1-related condition.

Allele frequency attached by ClinVar (database versions not stated): gnomAD exomes below 0.00001; TOPMed below 0.00001.
gnomAD v4.1: 5 of 1,612,472 alleles (0.00031%); highest among the groups gnomAD compares: Admixed American, 0.0017%; no homozygotes.

Submissions (3):

Labcorp Genetics (formerly Invitae), Labcorp
Classification: Likely benign for Ehlers-Danlos syndrome, classic type, 1. Last evaluated: 2025-01-17. Review status: criteria provided, single submitter. Criteria: Invitae Variant Classification Sherloc (09022015). Collection method: clinical testing. Allele origin: germline.

GeneDx
Classification: Uncertain significance. Last evaluated: 2024-05-17. Review status: criteria provided, single submitter. Criteria: GeneDx Variant Classification Process June 2021. Collection method: clinical testing. Allele origin: germline. Affected: yes.
Comment: Not observed at significant frequency in large population cohorts (gnomAD); In silico analysis supports that this missense variant has a deleterious effect on protein structure/function; Occurs in the triple helical domain at the X position in the canonical Gly-X-Y repeat; although this variant may have an effect on normal protein folding and function, missense substitution at the X position is not a common mechanism of disease (PMID: 22696272; HGMD); Has not been previously published as pathogenic or benign to our knowledge; This variant is associated with the following publications: (PMID: 22696272)

PreventionGenetics, part of Exact Sciences
Classification: Uncertain significance for COL5A1-related condition. Last evaluated: 2023-07-11. Review status: criteria provided, single submitter. Criteria: ACMG Guidelines, 2015. Collection method: clinical testing. Allele origin: germline.
Comment: The COL5A1 c.3037G>A variant is predicted to result in the amino acid substitution p.Glu1013Lys. To our knowledge, this variant has not been reported in the literature. This variant is reported in 0.0029% of alleles in individuals of Latino descent in gnomAD. At this time, the clinical significance of this variant is uncertain due to the absence of conclusive functional and genetic evidence.